The following is an entry in ClinVar:

ClinVar aggregate classification (germline): Likely benign (1 of 4 stars; one submission).

Allele frequency attached by ClinVar (database versions not stated): gnomAD exomes below 0.00001; TOPMed below 0.00001; ExAC 0.00001.
gnomAD v4.1: 2 of 1,606,620 alleles (0.00012%); highest among the groups gnomAD compares: African/African-American, 0.0013%; no homozygotes.

Submission:

CeGaT Center for Human Genetics Tuebingen
Classification: Likely benign. Last evaluated: 2025-09-01. Review status: criteria provided, single submitter. Criteria: CeGaT Center For Human Genetics Tuebingen Variant Classification Criteria Version 2. Collection method: clinical testing. Allele origin: germline. Affected: yes. Observed: 1 variant allele.
Comment: HSPD1: BP4, BP7

NM_002156.5(HSPD1):c.489C>T (p.Thr163=)

Gene: HSPD1 (heat shock protein family D (Hsp60) member 1; minus strand). Cytogenetic location: 2q33.1.
Variant type: single nucleotide variant.
Coding change: c.489C>T on transcript NM_002156.5 (MANE Select); coding-DNA position 489, C replaced by T.
Protein change: p.Thr163=; no amino-acid change (threonine 163 retained).
Molecular consequence: synonymous variant.
Genome position (GRCh38, 1-based): chr2:197,495,315, G>A on the plus strand (C>T on the coding strand, the complement: HSPD1 is on the minus strand). VCF-style: chr2-197495315-G-A. GRCh37 (hg19) VCF-style: chr2-198360039-G-A.
Other names: c.489C>T, p.Thr163= (NM_199440.2).
Identifiers: ClinVar variation 2651795 (VCV002651795.24), dbSNP rs752291305, ClinGen allele CA2043600.
Genomic context (GRCh38, chr2:197,495,315, plus strand): 5'-AATTTTTTTTAAAAAACGTGTAACATGTTAAGTCCTTACCTGTGCAATTTCTTCAGGGGT[G>A]GTCACAGGTTTAGACTGCTTTTTAAGTTCAGCAATTACAGCATCAACAGCTAACATCACA-3'
Protein context (NP_002147.2, residues 153-173): AELKKQSKPV[Thr163=]TPEEIAQVAT